The following is an entry in ClinVar:

ClinVar aggregate classification (germline): Benign/Likely benign. Review status: criteria provided, multiple submitters, no conflicts (2 of 4 stars). 5 submissions from 5 submitters: Benign (1); Likely benign (4). Last evaluated 2025-12-24.

Conditions:
Renal cell carcinoma. Identifiers: Orphanet 217071, MedGen C0007134, MeSH D002292, MONDO:0005086, HP:0005584.
Hereditary cancer-predisposing syndrome. Also called: Hereditary neoplastic syndrome; Neoplastic Syndromes, Hereditary; Tumor predisposition; Hereditary Cancer Syndrome. Identifiers: Orphanet 140162, MedGen C0027672, MeSH D009386, MONDO:0015356.
Papillary renal cell carcinoma type 1 (RCCP1). Also called: RENAL CELL CARCINOMA, PAPILLARY, 1, SOMATIC; Renal adenocarcinoma; Renal cell carcinoma 1; Renal cell carcinoma, somatic. Identifiers: Orphanet 47044, MedGen C1336839, OMIM 605074, HP:0011797.

Allele frequency attached by ClinVar (database versions not stated): gnomAD exomes 0.00001 and 0.00002; ExAC 0.00002; gnomAD 0.00002; TOPMed 0.00003; ESP Exome Variant Server 0.00008.
gnomAD v4.1: 26 of 1,613,928 alleles (0.0016%); highest among the groups gnomAD compares: Non-Finnish European, 0.0019%; no homozygotes.

Submissions (5):

Labcorp Genetics (formerly Invitae), Labcorp
Classification: Likely benign for Renal cell carcinoma. Last evaluated: 2025-12-24. Review status: criteria provided, single submitter. Criteria: Invitae Variant Classification Sherloc (09022015). Collection method: clinical testing. Allele origin: germline.

Myriad Genetics, Inc.
Classification: Benign for Papillary renal cell carcinoma type 1. Last evaluated: 2024-11-06. Review status: criteria provided, single submitter. Criteria: Myriad Autosomal Dominant, Autosomal Recessive and X-Linked Classification Criteria (2023). Collection method: clinical testing. Allele origin: unknown.
Comment: This variant is considered benign. This variant is a silent/synonymous amino acid change and it is not expected to impact splicing.

KCCC/NGS Laboratory, Kuwait Cancer Control Center
Classification: Likely benign for Papillary renal cell carcinoma type 1. Last evaluated: 2023-07-07. Review status: criteria provided, single submitter. Criteria: ACMG Guidelines, 2015. Collection method: clinical testing. Allele origin: germline. Affected: yes.

GeneDx
Classification: Likely benign. Last evaluated: 2020-10-19. Review status: criteria provided, single submitter. Criteria: GeneDx Variant Classification Process June 2021. Collection method: clinical testing. Allele origin: germline. Affected: yes.

Ambry Genetics
Classification: Likely benign for Hereditary cancer-predisposing syndrome. Last evaluated: 2015-10-08. Review status: criteria provided, single submitter. Criteria: Ambry Variant Classification Scheme 2023. Collection method: clinical testing. Allele origin: germline.

NM_000245.4(MET):c.939G>A (p.Val313=)

Gene: MET (MET proto-oncogene, receptor tyrosine kinase; plus strand). Cytogenetic location: 7q31.2.
Variant type: single nucleotide variant.
Coding change: c.939G>A on transcript NM_000245.4 (MANE Select); coding-DNA position 939, G replaced by A.
Protein change: p.Val313=; no amino-acid change (valine 313 retained).
Molecular consequence: synonymous variant. On other transcripts: intron variant (1).
Genome position (GRCh38, 1-based): chr7:116,700,023, G>A. VCF-style: chr7-116700023-G-A. GRCh37 (hg19) VCF-style: chr7-116340077-G-A.
Other names: c.939G>A (NM_001127500.2); c.939G>A, p.Val313= (NM_001127500.3, NM_001324401.3); c.-91+27446G>A (NM_001324402.2).
Identifiers: ClinVar variation 215795 (VCV000215795.20), dbSNP rs375716972, ClinGen allele CA338397.